The following is an entry in ClinVar:

NM_000083.3(CLCN1):c.826G>T (p.Gly276Cys)

Gene: CLCN1 (chloride voltage-gated channel 1; plus strand). Cytogenetic location: 7q34.
Variant type: single nucleotide variant.
Coding change: c.826G>T on transcript NM_000083.3 (MANE Select); coding-DNA position 826, G replaced by T.
Protein change: p.Gly276Cys; replaces glycine 276 with cysteine.
Molecular consequence: missense variant. On other transcripts: non-coding transcript variant (1).
Genome position (GRCh38, 1-based): chr7:143,324,465, G>T. VCF-style: chr7-143324465-G-T. GRCh37 (hg19) VCF-style: chr7-143021558-G-T.
Other names: short protein forms G276C.
Identifiers: ClinVar variation 1475651 (VCV001475651.8), dbSNP rs765181341, ClinGen allele CA369687569.

ClinVar aggregate classification (germline): Uncertain significance (1 of 4 stars; one submission).

Conditions:
Congenital myotonia, autosomal recessive form. Also called: Becker Generalized Myotonia; BECKER DISEASE; myotonia congenita, autosomal recessive. Identifiers: Orphanet 614, MedGen C0751360, MONDO:0009715, OMIM 255700.
Congenital myotonia, autosomal dominant form (THD). Also called: THOMSEN DISEASE; Myotonia congenita autosomal dominant. Identifiers: Orphanet 614, MedGen C2936781, MONDO:0008055, OMIM 160800.

Submission:

Labcorp Genetics (formerly Invitae), Labcorp
Classification: Uncertain significance for Congenital myotonia, autosomal recessive form; Congenital myotonia, autosomal dominant form. Last evaluated: 2021-03-26. Review status: criteria provided, single submitter. Criteria: Invitae Variant Classification Sherloc (09022015). Collection method: clinical testing. Allele origin: germline.
Comment: In summary, the available evidence is currently insufficient to determine the role of this variant in disease. Therefore, it has been classified as a Variant of Uncertain Significance. Advanced modeling of protein sequence and biophysical properties (such as structural, functional, and spatial information, amino acid conservation, physicochemical variation, residue mobility, and thermodynamic stability) performed at Invitae indicates that this missense variant is expected to disrupt CLCN1 protein function. This variant has not been reported in the literature in individuals with CLCN1-related conditions. This variant is not present in population databases (ExAC no frequency). This sequence change replaces glycine with cysteine at codon 276 of the CLCN1 protein (p.Gly276Cys). The glycine residue is highly conserved and there is a large physicochemical difference between glycine and cysteine.